The following is an entry in ClinVar:

ClinVar aggregate classification (germline): Uncertain significance (1 of 4 stars; one submission).

Conditions:
Hereditary cancer-predisposing syndrome. Also called: Neoplastic Syndromes, Hereditary; Tumor predisposition; Hereditary neoplastic syndrome; Hereditary Cancer Syndrome. Identifiers: Orphanet 140162, MedGen C0027672, MeSH D009386, MONDO:0015356.

Submission:

Ambry Genetics
Classification: Uncertain significance for Hereditary cancer-predisposing syndrome. Last evaluated: 2026-08-10. Review status: criteria provided, single submitter. Criteria: Ambry Variant Classification Scheme 2023. Collection method: clinical testing. Allele origin: germline.
Comment: The p.L966P variant (also known as c.2897T>C), located in coding exon 22 of the POLD1 gene, results from a T to C substitution at nucleotide position 2897. The leucine at codon 966 is replaced by proline, an amino acid with similar properties. This amino acid position is conserved. In addition, this alteration is predicted to be deleterious by in silico analysis. Based on the available evidence, the clinical significance of this variant remains unclear.

NM_002691.4(POLD1):c.2897T>C (p.Leu966Pro)

Gene: POLD1 (DNA polymerase delta 1, catalytic subunit; plus strand). Cytogenetic location: 19q13.33.
Variant type: single nucleotide variant.
Coding change: c.2897T>C on transcript NM_002691.4 (MANE Select); coding-DNA position 2897, T replaced by C.
Protein change: p.Leu966Pro; replaces leucine 966 with proline.
Molecular consequence: missense variant. On other transcripts: non-coding transcript variant (1).
Genome position (GRCh38, 1-based): chr19:50,416,472, T>C. VCF-style: chr19-50416472-T-C. GRCh37 (hg19) VCF-style: chr19-50919729-T-C.
Other names: c.2897T>C, p.Leu966Pro (NM_001256849.1, NM_001438212.1, NM_001438213.1); c.2975T>C, p.Leu992Pro (NM_001308632.1); c.2825T>C, p.Leu942Pro (NM_001438210.1, NM_001438211.1); short protein forms L942P, L966P, L992P.
Identifiers: ClinVar variation 5027001 (VCV005027001.1).